The following is an entry in ClinVar:

NM_024408.4(NOTCH2):c.6999G>A (p.Ala2333=)

Gene: NOTCH2 (notch receptor 2; minus strand). Cytogenetic location: 1p12.
Variant type: single nucleotide variant.
Coding change: c.6999G>A on transcript NM_024408.4 (MANE Select); coding-DNA position 6999, G replaced by A.
Protein change: p.Ala2333=; no amino-acid change (alanine 2333 retained).
Molecular consequence: synonymous variant.
Genome position (GRCh38, 1-based): chr1:119,915,723, C>T on the plus strand (G>A on the coding strand, the complement: NOTCH2 is on the minus strand). VCF-style: chr1-119915723-C-T. GRCh37 (hg19) VCF-style: chr1-120458346-C-T.
Other names: c.6999G>A (NM_024408.3).
Identifiers: ClinVar variation 290972 (VCV000290972.12), dbSNP rs760004891, ClinGen allele CA1039338.

ClinVar aggregate classification (germline): Conflicting classifications of pathogenicity. Review status: criteria provided, conflicting classifications (1 of 4 stars). 4 submissions from 4 submitters: Uncertain significance (2); Likely benign (2). Last evaluated 2026-01-22.

Conditions:
Hajdu-Cheney syndrome (HJCYS). Also called: ACROOSTEOLYSIS WITH OSTEOPOROSIS AND CHANGES IN SKULL AND MANDIBLE; SERPENTINE FIBULA-POLYCYSTIC KIDNEY SYNDROME; Acroosteolysis dominant type. Identifiers: Orphanet 955, MedGen C0917715, MONDO:0007057, OMIM 102500.
Alagille syndrome due to a NOTCH2 point mutation. Also called: Alagille syndrome 2. Identifiers: Orphanet 261629, Orphanet 52, MedGen C1857761, MONDO:0012439, OMIM 610205.
NOTCH2-related disorder. Also called: NOTCH2-related condition.

Allele frequency attached by ClinVar (database versions not stated): ExAC 0.00001; gnomAD 0.00003; TOPMed 0.00003.
gnomAD v4.1: 78 of 1,608,042 alleles (0.0049%); highest among the groups gnomAD compares: East Asian, 0.0067%; no homozygotes.

Submissions (4):

PreventionGenetics, part of Exact Sciences
Classification: Likely benign for NOTCH2-related condition. Last evaluated: 2026-01-22. Review status: criteria provided, single submitter. Criteria: ACMG Guidelines, 2015. Collection method: clinical testing. Allele origin: germline.
Comment: This variant is classified as likely benign based on ACMG/AMP sequence variant interpretation guidelines (Richards et al. 2015 PMID: 25741868, with internal and published modifications).

Labcorp Genetics (formerly Invitae), Labcorp
Classification: Likely benign for Hajdu-Cheney syndrome. Last evaluated: 2025-01-01. Review status: criteria provided, single submitter. Criteria: Invitae Variant Classification Sherloc (09022015). Collection method: clinical testing. Allele origin: germline.

Fulgent Genetics
Classification: Uncertain significance for Hajdu-Cheney syndrome; Alagille syndrome due to a NOTCH2 point mutation. Last evaluated: 2022-05-11. Review status: criteria provided, single submitter. Criteria: ACMG Guidelines, 2015. Collection method: clinical testing. Allele origin: unknown.

Eurofins Ntd Llc (ga)
Classification: Uncertain significance. Last evaluated: 2016-08-25. Review status: criteria provided, single submitter. Criteria: EGL Classification Definitions 2015. Collection method: clinical testing. Allele origin: germline. Observed: 1 variant allele.